The following is an entry in ClinVar:

ClinVar aggregate classification (germline): Uncertain significance. Review status: criteria provided, multiple submitters, no conflicts (2 of 4 stars). 3 submissions from 3 submitters: Uncertain significance (3). Last evaluated 2026-01-31.

Conditions:
Tumor predisposition syndrome 3 (TPDS3). Also called: Melanoma, cutaneous malignant, susceptibility to, 10; Glioma susceptibility 9; LONG TELOMERE SYNDROME, POT1-RELATED; POT1 Tumor Predisposition. Identifiers: Orphanet 618, MedGen C4014476, MONDO:0014368, OMIM 615848.
Hereditary cancer-predisposing syndrome. Also called: Neoplastic Syndromes, Hereditary; Hereditary Cancer Syndrome; Hereditary neoplastic syndrome; Tumor predisposition. Identifiers: Orphanet 140162, MedGen C0027672, MeSH D009386, MONDO:0015356.

Submissions (3):

Labcorp Genetics (formerly Invitae), Labcorp
Classification: Uncertain significance for Tumor predisposition syndrome 3. Last evaluated: 2026-01-31. Review status: criteria provided, single submitter. Criteria: Invitae Variant Classification Sherloc (09022015). Collection method: clinical testing. Allele origin: germline.
Comment: This sequence change replaces lysine, which is basic and polar, with arginine, which is basic and polar, at codon 39 of the POT1 protein (p.Lys39Arg). This variant is not present in population databases (gnomAD no frequency). This variant has not been reported in the literature in individuals affected with POT1-related conditions. ClinVar contains an entry for this variant (Variation ID: 1052155). Invitae Evidence Modeling of protein sequence and biophysical properties (such as structural, functional, and spatial information, amino acid conservation, physicochemical variation, residue mobility, and thermodynamic stability) indicates that this missense variant is not expected to disrupt POT1 protein function with a negative predictive value of 80%. In summary, the available evidence is currently insufficient to determine the role of this variant in disease. Therefore, it has been classified as a Variant of Uncertain Significance.

GeneDx
Classification: Uncertain significance. Last evaluated: 2024-05-20. Review status: criteria provided, single submitter. Criteria: GeneDx Variant Classification Process June 2021. Collection method: clinical testing. Allele origin: germline. Affected: yes.
Comment: Not observed at significant frequency in large population cohorts (gnomAD); In silico analysis indicates that this missense variant does not alter protein structure/function; Has not been previously published as pathogenic or benign to our knowledge

Ambry Genetics
Classification: Uncertain significance for Hereditary cancer-predisposing syndrome. Last evaluated: 2023-06-17. Review status: criteria provided, single submitter. Criteria: Ambry Variant Classification Scheme 2023. Collection method: clinical testing. Allele origin: germline.
Comment: The p.K39R variant (also known as c.116A>G), located in coding exon 2 of the POT1 gene, results from an A to G substitution at nucleotide position 116. The lysine at codon 39 is replaced by arginine, an amino acid with highly similar properties. This amino acid position is conserved. In addition, this alteration is predicted to be tolerated by in silico analysis. Since supporting evidence is limited at this time, the clinical significance of this alteration remains unclear.

NM_015450.3(POT1):c.116A>G (p.Lys39Arg)

Gene: POT1 (protection of telomeres 1; minus strand). Cytogenetic location: 7q31.33.
Variant type: single nucleotide variant.
Coding change: c.116A>G on transcript NM_015450.3 (MANE Select); coding-DNA position 116, A replaced by G.
Protein change: p.Lys39Arg; replaces lysine 39 with arginine.
Molecular consequence: missense variant. On other transcripts: 5 prime UTR variant (1), non-coding transcript variant (3).
Genome position (GRCh38, 1-based): chr7:124,892,274, T>C on the plus strand (A>G on the coding strand, the complement: POT1 is on the minus strand). VCF-style: chr7-124892274-T-C. GRCh37 (hg19) VCF-style: chr7-124532328-T-C.
Other names: c.-147A>G (NM_001042594.2); c.116A>G (NM_015450.2); short protein forms K39R.
Identifiers: ClinVar variation 1052155 (VCV001052155.12), dbSNP rs2116629538, ClinGen allele CA369065965.
Genomic context (GRCh38, chr7:124,892,274, plus strand): 5'-AAATCAATAATGCATTTCCACTCCAAAAAACTCCACCAGTTTTAATACCTACCAGTTCCT[T>C]TGCTTAGATATGGGGGCTTAAAGAACTTCACAACACCATAGACATTGACAATTGTACCAC-3'
Protein context (NP_056265.2, residues 29-49): VKFFKPPYLS[Lys39Arg]GTDYCSVVTI